The following is an entry in ClinVar:

ClinVar aggregate classification (germline): Uncertain significance (1 of 4 stars; one submission).

Conditions:
Aortic aneurysm, familial thoracic 8 (AAT8). Identifiers: MedGen C3809513, MONDO:0014187, OMIM 615436.

Submission:

Labcorp Genetics (formerly Invitae), Labcorp
Classification: Uncertain significance for Aortic aneurysm, familial thoracic 8. Last evaluated: 2026-01-25. Review status: criteria provided, single submitter. Criteria: Invitae Variant Classification Sherloc (09022015). Collection method: clinical testing. Allele origin: germline.
Comment: This sequence change replaces histidine, which is basic and polar, with arginine, which is basic and polar, at codon 420 of the PRKG1 protein (p.His420Arg). This variant is not present in population databases (gnomAD no frequency). This variant has not been reported in the literature in individuals affected with PRKG1-related conditions. An algorithm developed to predict the effect of missense changes on protein structure and function (PolyPhen-2) suggests that this variant is likely to be disruptive. In summary, the available evidence is currently insufficient to determine the role of this variant in disease. Therefore, it has been classified as a Variant of Uncertain Significance.

NM_006258.4(PRKG1):c.1259A>G (p.His420Arg)

Gene: PRKG1 (protein kinase cGMP-dependent 1; plus strand). Cytogenetic location: 10q21.1.
Variant type: single nucleotide variant.
Coding change: c.1259A>G on transcript NM_006258.4 (MANE Select); coding-DNA position 1259, A replaced by G.
Protein change: p.His420Arg; replaces histidine 420 with arginine.
Molecular consequence: missense variant.
Genome position (GRCh38, 1-based): chr10:52,271,435, A>G. VCF-style: chr10-52271435-A-G. GRCh37 (hg19) VCF-style: chr10-54031195-A-G.
Other names: c.1214A>G, p.His405Arg (NM_001098512.3); c.50A>G, p.His17Arg (NM_001374781.1); short protein forms H405R, H420R, H17R.
Identifiers: ClinVar variation 4736160 (VCV004736160.1).